The following is an entry in ClinVar:

ClinVar aggregate classification (germline): Likely pathogenic (1 of 4 stars; one submission).

Submission:

Labcorp Genetics (formerly Invitae), Labcorp
Classification: Likely pathogenic. Last evaluated: 2024-10-26. Review status: criteria provided, single submitter. Criteria: Invitae Variant Classification Sherloc (09022015). Collection method: clinical testing. Allele origin: germline.
Comment: This sequence change replaces proline, which is neutral and non-polar, with leucine, which is neutral and non-polar, at codon 2329 of the USH2A protein (p.Pro2329Leu). This variant is not present in population databases (gnomAD no frequency). This variant has not been reported in the literature in individuals affected with USH2A-related conditions. ClinVar contains an entry for this variant (Variation ID: 2130868). Invitae Evidence Modeling of protein sequence and biophysical properties (such as structural, functional, and spatial information, amino acid conservation, physicochemical variation, residue mobility, and thermodynamic stability) indicates that this missense variant is expected to disrupt USH2A protein function with a positive predictive value of 95%. This variant disrupts the p.Pro2329 amino acid residue in USH2A. Other variant(s) that disrupt this residue have been determined to be pathogenic (PMID: 32090030, 32675063, 33691693, 36729443). This suggests that this residue is clinically significant, and that variants that disrupt this residue are likely to be disease-causing. In summary, the currently available evidence indicates that the variant is pathogenic, but additional data are needed to prove that conclusively. Therefore, this variant has been classified as Likely Pathogenic.

Literature cited by the submitters: PubMed 32090030; PubMed 32675063; PubMed 33691693; PubMed 36729443.

NM_206933.4(USH2A):c.6986C>T (p.Pro2329Leu)

Gene: USH2A (usherin; minus strand). Cytogenetic location: 1q41.
Variant type: single nucleotide variant.
Coding change: c.6986C>T on transcript NM_206933.4 (MANE Select); coding-DNA position 6986, C replaced by T.
Protein change: p.Pro2329Leu; replaces proline 2329 with leucine.
Molecular consequence: missense variant.
Genome position (GRCh38, 1-based): chr1:215,965,451, G>A on the plus strand (C>T on the coding strand, the complement: USH2A is on the minus strand). VCF-style: chr1-215965451-G-A. GRCh37 (hg19) VCF-style: chr1-216138793-G-A.
Other names: short protein forms P2329L.
Identifiers: ClinVar variation 2130868 (VCV002130868.4), dbSNP rs554957414, ClinGen allele CA344852539.